The following is an entry in ClinVar:

ClinVar aggregate classification (germline): Uncertain significance (1 of 4 stars; one submission).

Allele frequency attached by ClinVar (database versions not stated): gnomAD 0.00001; gnomAD exomes 0.00002; TOPMed 0.00002; ExAC 0.00003.
gnomAD v4.1: 59 of 1,611,166 alleles (0.0037%); highest among the groups gnomAD compares: Non-Finnish European, 0.0044%; no homozygotes.

Submission:

Labcorp Genetics (formerly Invitae), Labcorp
Classification: Uncertain significance. Last evaluated: 2024-12-19. Review status: criteria provided, single submitter. Criteria: Invitae Variant Classification Sherloc (09022015). Collection method: clinical testing. Allele origin: germline.
Comment: This sequence change replaces isoleucine, which is neutral and non-polar, with leucine, which is neutral and non-polar, at codon 356 of the AP3D1 protein (p.Ile356Leu). This variant is present in population databases (rs746875566, gnomAD 0.005%). This variant has not been reported in the literature in individuals affected with AP3D1-related conditions. ClinVar contains an entry for this variant (Variation ID: 1430309). An algorithm developed to predict the effect of missense changes on protein structure and function (PolyPhen-2) suggests that this variant is likely to be disruptive. In summary, the available evidence is currently insufficient to determine the role of this variant in disease. Therefore, it has been classified as a Variant of Uncertain Significance.

NM_001261826.3(AP3D1):c.1066A>C (p.Ile356Leu)

Gene: AP3D1 (adaptor related protein complex 3 subunit delta 1; minus strand). Cytogenetic location: 19p13.3.
Variant type: single nucleotide variant.
Coding change: c.1066A>C on transcript NM_001261826.3 (MANE Select); coding-DNA position 1066, A replaced by C.
Protein change: p.Ile356Leu; replaces isoleucine 356 with leucine.
Molecular consequence: missense variant.
Genome position (GRCh38, 1-based): chr19:2,121,769, T>G on the plus strand (A>C on the coding strand, the complement: AP3D1 is on the minus strand). VCF-style: chr19-2121769-T-G. GRCh37 (hg19) VCF-style: chr19-2121768-T-G.
Other names: c.1066A>C, p.Ile356Leu (NM_001374799.1, NM_003938.8); short protein forms I356L.
Identifiers: ClinVar variation 1430309 (VCV001430309.6), dbSNP rs746875566, ClinGen allele CA9059444.